The following is an entry in ClinVar:

ClinVar aggregate classification (germline): Benign. Review status: criteria provided, multiple submitters, no conflicts (2 of 4 stars). 9 submissions from 9 submitters: Benign (8). 1 of the submissions does not count toward it. Last evaluated 2026-02-04.

Conditions:
Alstrom syndrome (ALMS). Identifiers: Orphanet 64, MedGen C0268425, MONDO:0008763, OMIM 203800.
Cardiovascular phenotype. Identifiers: MedGen CN230736.

Allele frequency attached by ClinVar (database versions not stated): gnomAD exomes 0.00214; ExAC 0.00257; gnomAD 0.00750 and 0.00818; ESP Exome Variant Server 0.00770; 1000 Genomes Project 0.00779; TOPMed 0.00808; 1000 Genomes Project 30x 0.00859.

Submissions (9):

Labcorp Genetics (formerly Invitae), Labcorp
Classification: Benign for Alstrom syndrome. Last evaluated: 2026-02-04. Review status: criteria provided, single submitter. Criteria: Invitae Variant Classification Sherloc (09022015). Collection method: clinical testing. Allele origin: germline.

ARUP Laboratories, Molecular Genetics and Genomics, ARUP Laboratories
Classification: Benign for Alstrom syndrome. Last evaluated: 2024-07-25. Review status: criteria provided, single submitter. Criteria: ARUP Molecular Germline Variant Investigation Process 2024. Collection method: clinical testing. Allele origin: germline.

Ambry Genetics
Classification: Benign for Cardiovascular phenotype. Last evaluated: 2019-01-09. Review status: criteria provided, single submitter. Criteria: Ambry Variant Classification Scheme 2023. Collection method: clinical testing. Allele origin: germline.

Athena Diagnostics
Classification: Benign. Last evaluated: 2018-05-24. Review status: criteria provided, single submitter. Criteria: Athena Diagnostics Criteria. Collection method: clinical testing. Allele origin: germline.

GeneDx
Classification: Benign. Last evaluated: 2016-10-10. Review status: criteria provided, single submitter. Criteria: GeneDx Variant Classification (06012015). Collection method: clinical testing. Allele origin: germline. Affected: yes.
Comment: This variant is considered likely benign or benign based on one or more of the following criteria: it is a conservative change, it occurs at a poorly conserved position in the protein, it is predicted to be benign by multiple in silico algorithms, and/or has population frequency not consistent with disease.

Women's Health and Genetics/Laboratory Corporation of America, LabCorp
Classification: Benign. Last evaluated: 2016-09-19. Review status: criteria provided, single submitter. Criteria: LabCorp Variant Classification Summary - May 2015. Collection method: clinical testing. Allele origin: germline.
Comment: Variant summary: The ALMS1 c.2658A>G (p.Val886Val, alternative name c.2664A>G) variant involves the alteration of a non-conserved nucleotide, resulting in a synonymous change. 5/5 splice prediction tools predict a creation of cryptic donor site. This silent variant is 100 nucleotides away from the exon-intron bounday; thus it is unlikely that the cryptic site will be used. In addition, these predictions have yet to be confirmed by functional studies. This variant was found in 310/120600 control chromosomes (3 homozygotes), predominantly observed in the African subpopulation at a frequency of 0.0278175 (272/9778). This frequency is about 12 times the estimated maximal expected allele frequency of a pathogenic ALMS1 variant (0.0022361), suggesting this is likely a benign polymorphism found primarily in the populations of African origin. In addition, one clinical diagnostic laboratory has classified this variant as benign. Taken together, this variant is classified as a benign variant.

Laboratory for Molecular Medicine, Mass General Brigham Personalized Medicine
Classification: Benign. Last evaluated: 2016-03-21. Review status: criteria provided, single submitter. Criteria: LMM Criteria. Collection method: clinical testing. Allele origin: germline. Observed: 1 variant allele.
Comment: p.Val886Val in exon 8 of ALMS1: This variant is not expected to have clinical si gnificance because it does not alter an amino acid residue, is not located withi n the splice consensus sequence, and has been identified in 2.78% (272/9778) of African chromosomes by the Exome Aggregation Consortium (ExAC; dbSNP rs76266696).

Breakthrough Genomics
Classification: Benign. Review status: criteria provided, single submitter. Criteria: ACMG Guidelines, 2015. Collection method: not provided. Allele origin: germline. Inheritance: Autosomal recessive inheritance. Affected: yes.

Natera, Inc.
Classification: Benign for Alstrom syndrome. Last evaluated: 2020-09-16. Review status: no assertion criteria provided. Collection method: clinical testing. Allele origin: germline. Not counted in ClinVar's aggregate classification.

NM_001378454.1(ALMS1):c.2661A>G (p.Val887=)

Gene: ALMS1 (ALMS1 centrosome and basal body associated protein; plus strand). Cytogenetic location: 2p13.1.
Variant type: single nucleotide variant.
Coding change: c.2661A>G on transcript NM_001378454.1 (MANE Select); coding-DNA position 2661, A replaced by G.
Protein change: p.Val887=; no amino-acid change (valine 887 retained).
Molecular consequence: synonymous variant.
Genome position (GRCh38, 1-based): chr2:73,449,188, A>G. VCF-style: chr2-73449188-A-G. GRCh37 (hg19) VCF-style: chr2-73676315-A-G.
Other names: c.2664A>G, p.Val888= (NM_015120.4).
Identifiers: ClinVar variation 240990 (VCV000240990.24), dbSNP rs76266696, ClinGen allele CA1713392.